The following is an entry in ClinVar:

ClinVar aggregate classification (germline): Uncertain significance (1 of 4 stars; one submission).

Submission:

Labcorp Genetics (formerly Invitae), Labcorp
Classification: Uncertain significance. Last evaluated: 2023-02-03. Review status: criteria provided, single submitter. Criteria: Invitae Variant Classification Sherloc (09022015). Collection method: clinical testing. Allele origin: germline.
Comment: In summary, the available evidence is currently insufficient to determine the role of this variant in disease. Therefore, it has been classified as a Variant of Uncertain Significance. Algorithms developed to predict the effect of missense changes on protein structure and function are either unavailable or do not agree on the potential impact of this missense change (SIFT: "Deleterious"; PolyPhen-2: "Benign"; Align-GVGD: "Class C0"). This variant has not been reported in the literature in individuals affected with HMCN1-related conditions. This variant is not present in population databases (gnomAD no frequency). This sequence change replaces isoleucine, which is neutral and non-polar, with methionine, which is neutral and non-polar, at codon 1655 of the HMCN1 protein (p.Ile1655Met).

NM_031935.3(HMCN1):c.4965T>G (p.Ile1655Met)

Gene: HMCN1 (hemicentin 1; plus strand). Cytogenetic location: 1q31.1.
Variant type: single nucleotide variant.
Coding change: c.4965T>G on transcript NM_031935.3 (MANE Select); coding-DNA position 4965, T replaced by G.
Protein change: p.Ile1655Met; replaces isoleucine 1655 with methionine.
Molecular consequence: missense variant.
Genome position (GRCh38, 1-based): chr1:186,016,013, T>G. VCF-style: chr1-186016013-T-G. GRCh37 (hg19) VCF-style: chr1-185985145-T-G.
Other names: short protein forms I1655M.
Identifiers: ClinVar variation 2819020 (VCV002819020.3), dbSNP rs2527527972, ClinGen allele CA343887709.